The following is an entry in ClinVar:

ClinVar aggregate classification (germline): Conflicting classifications of pathogenicity. Review status: criteria provided, conflicting classifications (1 of 4 stars). 4 submissions from 4 submitters: Uncertain significance (2); Likely benign (2). Last evaluated 2026-10-23.

Conditions:
Familial hypobetalipoproteinemia 1. Also called: Hypobetalipoproteinemia, normotriglyceridemic; Acanthocytosis with hypobetalipoproteinemia; APOB-Related Familial Hypobetalipoproteinemia. Identifiers: MedGen C4551990, MONDO:0014252, OMIM 615558.
Hypercholesterolemia, autosomal dominant, type B (FHCL2). Also called: APOB-Related Familial Hypercholesterolemia, Autosomal Dominant; Familial hypercholesterolemia 2; Familial Hypercholesterolemia Type B; APOLIPOPROTEIN B-100, FAMILIAL DEFECTIVE; APOLIPOPROTEIN B-100, FAMILIAL LIGAND-DEFECTIVE; HYPERCHOLESTEROLEMIA, FAMILIAL, DUE TO LIGAND-DEFECTIVE APOLIPOPROTEIN B. Identifiers: MedGen C1704417, MONDO:0007751, OMIM 144010.
Cardiovascular phenotype. Identifiers: MedGen CN230736.
Familial hypercholesterolemia. Also called: Familial hypercholesterolemias; Familial hypercholesterolaemia. Identifiers: MedGen C0020445, MONDO:0005439.

Allele frequency attached by ClinVar (database versions not stated): gnomAD 0.00001; gnomAD exomes 0.00001; ExAC 0.00002; ESP Exome Variant Server 0.00008.
gnomAD v4.1: 18 of 1,613,862 alleles (0.0011%); highest among the groups gnomAD compares: Non-Finnish European, 0.0014%; no homozygotes.

Submissions (4):

Cambridge Genomics Laboratory, East Genomic Laboratory Hub, NHS Genomic Medicine Service
Classification: Uncertain significance for Familial hypercholesterolaemia. Last evaluated: 2026-10-23. Review status: criteria provided, single submitter. Criteria: ACGS Best Practice Guidelines for Variant Classification in Rare Disease 2020. Collection method: clinical testing. Allele origin: germline. Affected: yes.
Comment: PM2_Supporting

Labcorp Genetics (formerly Invitae), Labcorp
Classification: Likely benign for Familial hypobetalipoproteinemia 1; Hypercholesterolemia, autosomal dominant, type B. Last evaluated: 2025-10-06. Review status: criteria provided, single submitter. Criteria: Invitae Variant Classification Sherloc (09022015). Collection method: clinical testing. Allele origin: germline.

Ambry Genetics
Classification: Likely benign for Cardiovascular phenotype. Last evaluated: 2024-09-05. Review status: criteria provided, single submitter. Criteria: Ambry Variant Classification Scheme 2023. Collection method: clinical testing. Allele origin: germline.

GeneDx
Classification: Uncertain significance. Last evaluated: 2022-11-25. Review status: criteria provided, single submitter. Criteria: GeneDx Variant Classification Process June 2021. Collection method: clinical testing. Allele origin: germline. Affected: yes.
Comment: Not observed at significant frequency in large population cohorts (gnomAD); In silico analysis supports that this missense variant does not alter protein structure/function; Has not been previously published as pathogenic or benign to our knowledge

NM_000384.3(APOB):c.6227C>T (p.Thr2076Ile)

Gene: APOB (apolipoprotein B; minus strand). Cytogenetic location: 2p24.1.
Variant type: single nucleotide variant.
Coding change: c.6227C>T on transcript NM_000384.3 (MANE Select); coding-DNA position 6227, C replaced by T.
Protein change: p.Thr2076Ile; replaces threonine 2076 with isoleucine.
Molecular consequence: missense variant.
Genome position (GRCh38, 1-based): chr2:21,010,641, G>A on the plus strand (C>T on the coding strand, the complement: APOB is on the minus strand). VCF-style: chr2-21010641-G-A. GRCh37 (hg19) VCF-style: chr2-21233513-G-A.
Other names: short protein forms T2076I.
Identifiers: ClinVar variation 2503337 (VCV002503337.4), dbSNP rs371068679, ClinGen allele CA062996.